The following is an entry in ClinVar:

ClinVar aggregate classification (germline): Uncertain significance (1 of 4 stars; one submission).

gnomAD v4.1: 1 of 1,598,974 alleles (0.000063%); highest among the groups gnomAD compares: Non-Finnish European, 0.000085%; no homozygotes.

Submission:

Labcorp Genetics (formerly Invitae), Labcorp
Classification: Uncertain significance. Last evaluated: 2024-04-20. Review status: criteria provided, single submitter. Criteria: Invitae Variant Classification Sherloc (09022015). Collection method: clinical testing. Allele origin: germline.
Comment: This sequence change replaces arginine, which is basic and polar, with glycine, which is neutral and non-polar, at codon 429 of the COL9A3 protein (p.Arg429Gly). This variant is not present in population databases (gnomAD no frequency). This variant has not been reported in the literature in individuals affected with COL9A3-related conditions. An algorithm developed to predict the effect of missense changes on protein structure and function (PolyPhen-2) suggests that this variant is likely to be disruptive. In summary, the available evidence is currently insufficient to determine the role of this variant in disease. Therefore, it has been classified as a Variant of Uncertain Significance.

NM_001853.4(COL9A3):c.1285C>G (p.Arg429Gly)

Gene: COL9A3 (collagen type IX alpha 3 chain; plus strand). Cytogenetic location: 20q13.33.
Variant type: single nucleotide variant.
Coding change: c.1285C>G on transcript NM_001853.4 (MANE Select); coding-DNA position 1285, C replaced by G.
Protein change: p.Arg429Gly; replaces arginine 429 with glycine.
Molecular consequence: missense variant.
Genome position (GRCh38, 1-based): chr20:62,830,586, C>G. VCF-style: chr20-62830586-C-G. GRCh37 (hg19) VCF-style: chr20-61461938-C-G.
Other names: short protein forms R429G.
Identifiers: ClinVar variation 3632258 (VCV003632258.2).
Genomic context (GRCh38, chr20:62,830,586, plus strand): 5'-GGCAGCATGGGAGACCCCGGCCTTCCAGGCCCCCAGGGCCTCCGAGGTGACGTGGGCGAC[C>G]GGGTAAGTGGCCCTCTCAGCAGGAAGCTCCCCTGCACCCCCTCTACCCATGTACCACAGT-3'
Protein context (NP_001844.3, residues 419-439): PQGLRGDVGD[Arg429Gly]GPGGAAGPKG